The following is an entry in ClinVar:

ClinVar aggregate classification (germline): Uncertain significance (1 of 4 stars; one submission).

gnomAD v4.1: 1 of 1,613,806 alleles (0.000062%); no homozygotes.

Submission:

Labcorp Genetics (formerly Invitae), Labcorp
Classification: Uncertain significance. Last evaluated: 2025-05-27. Review status: criteria provided, single submitter. Criteria: Invitae Variant Classification Sherloc (09022015). Collection method: clinical testing. Allele origin: germline.
Comment: This sequence change replaces leucine, which is neutral and non-polar, with phenylalanine, which is neutral and non-polar, at codon 406 of the UMOD protein (p.Leu406Phe). This variant is not present in population databases (gnomAD no frequency). This variant has not been reported in the literature in individuals affected with UMOD-related conditions. Invitae Evidence Modeling of protein sequence and biophysical properties (such as structural, functional, and spatial information, amino acid conservation, physicochemical variation, residue mobility, and thermodynamic stability) indicates that this missense variant is not expected to disrupt UMOD protein function with a negative predictive value of 80%. In summary, the available evidence is currently insufficient to determine the role of this variant in disease. Therefore, it has been classified as a Variant of Uncertain Significance.

NM_003361.4(UMOD):c.1216C>T (p.Leu406Phe)

Gene: UMOD (uromodulin; minus strand). Cytogenetic location: 16p12.3.
Variant type: single nucleotide variant.
Coding change: c.1216C>T on transcript NM_003361.4 (MANE Select); coding-DNA position 1216, C replaced by T.
Protein change: p.Leu406Phe; replaces leucine 406 with phenylalanine.
Molecular consequence: missense variant. On other transcripts: non-coding transcript variant (1).
Genome position (GRCh38, 1-based): chr16:20,344,139, G>A on the plus strand (C>T on the coding strand, the complement: UMOD is on the minus strand). VCF-style: chr16-20344139-G-A. GRCh37 (hg19) VCF-style: chr16-20355461-G-A.
Other names: c.1216C>T, p.Leu406Phe (NM_001008389.3, NM_001378232.1, NM_001378233.1 and 3 more transcripts); c.1315C>T, p.Leu439Phe (NM_001278614.2); short protein forms L406F, L439F.
Identifiers: ClinVar variation 4764360 (VCV004764360.1).